The following is an entry in ClinVar:

ClinVar aggregate classification (germline): Pathogenic/Likely pathogenic. Review status: criteria provided, multiple submitters, no conflicts (2 of 4 stars). 10 submissions from 10 submitters: Pathogenic (5); Likely pathogenic (1). 4 of the submissions do not count toward it. Last evaluated 2026-03-11.

Conditions:
SETD1A-related disorder. Also called: SETD1A-related condition.
Inborn genetic diseases. Identifiers: MedGen C0950123, MeSH D030342.
Neurodevelopmental disorder with speech impairment and dysmorphic facies. Identifiers: MedGen C5436699, MONDO:0033630, OMIM 619056.
Epilepsy, early-onset, with or without developmental delay. Identifiers: MedGen C5882670, MONDO:0030005, OMIM 618832.

Allele frequency attached by ClinVar (database versions not stated): TOPMed below 0.00001; gnomAD exomes 0.00001; ExAC 0.00002; ESP Exome Variant Server 0.00008.

Submissions (10):

Ambry Genetics
Classification: Pathogenic for Inborn genetic diseases. Last evaluated: 2026-03-11. Review status: criteria provided, single submitter. Criteria: Ambry Variant Classification Scheme 2023. Collection method: clinical testing. Allele origin: germline.
Comment: The c.4582-2_4582-1delAG intronic alteration consists of a deletion of two nucleotides before exon 16 (coding exon 15) of the SETD1A gene. Variants that disrupt the canonical splice site are expected to result in aberrant splicing. Based on data from gnomAD, this allele has an overall frequency of 0.001% (2/247796) total alleles studied. The highest observed frequency was 0.01% (1/9932) of Ashkenazi Jewish alleles. This variant was reported in individual(s) with features consistent with SETD1A-related neurodevelopmental disorder; in at least one individual, it was determined to be de novo (Singh, 2016; Kummeling, 2021; Kaspi, 2023). These nucleotide positions are highly conserved in available vertebrate species. In silico splice site analysis predicts that this alteration will weaken the native splice acceptor site. Based on the available evidence, this alteration is classified as pathogenic.

Variantyx, Inc.
Classification: Pathogenic for Neurodevelopmental disorder with speech impairment and dysmorphic facies. Last evaluated: 2025-09-10. Review status: criteria provided, single submitter. Criteria: Variantyx Assertion Criteria 2022. Collection method: clinical testing. Allele origin: de novo. Inheritance: Autosomal dominant inheritance. Affected: yes.
Comment: This is a canonical splicing variant in the SETD1A gene (OMIM: 611052). Pathogenic variants in this gene have been associated with autosomal dominant neurodevelopmental disorder with speech impairment and dysmorphic facies. The splicing variant is expected to result in loss of function, which is a known disease mechanism for SETD1A in this disorder (PMID: 32346159) (PVS1). It has a 0.0025% maximum allele frequency in non-founder control populations (PM2). Based on the current evidence, this variant is classified as pathogenic for autosomal dominant neurodevelopmental disorder with speech impairment and dysmorphic facies.

3billion
Classification: Pathogenic for Epilepsy, early-onset, with or without developmental delay. Last evaluated: 2025-09-08. Review status: criteria provided, single submitter. Criteria: ACMG Guidelines, 2015. Collection method: clinical testing. Allele origin: germline. Affected: yes.
Comment: The variant is observed at an extremely low frequency in the gnomAD v4.1.0 dataset (total allele frequency: <0.001%). Predicted Consequence/Location: Canonical splice site: predicted to alter splicing and result in a loss or disruption of normal protein function. Multiple pathogenic loss-of-function variants are reported downstream of the variant. The variant has been previously reported as de novo in a similarly affected individual (PMID: 24853937). The variant has been reported at least twice as pathogenic without evidence for the classification (ClinVar ID: VCV000417721 /PMID: 24853937 /3billion dataset). Therefore, this variant is classified as Pathogenic according to the recommendation of ACMG/AMP guideline.

Victorian Clinical Genetics Services, Murdoch Childrens Research Institute
Classification: Pathogenic for Neurodevelopmental disorder with speech impairment and dysmorphic facies. Last evaluated: 2025-03-21. Review status: criteria provided, single submitter. Criteria: ACMG Guidelines, 2015. Collection method: clinical testing. Allele origin: germline. Affected: yes.
Comment: This variant is classified as Pathogenic. Evidence in support of pathogenic classification: Splice site variant proven to affect splicing of the transcript with a known effect on protein sequence. This variant was shown to cause retention of intron 15 and a premature termination codon in exon 16, therefore resulting in nonsense-mediated decay (NMD) (PMID: 32346159, 26974950); Variant is present in gnomAD <0.001 for a dominant condition (v4: 12 heterozygote(s), 0 homozygote(s)); This variant has strong previous evidence of pathogenicity in unrelated individuals. This variant has been classified as pathogenic by clinical laboratories in ClinVar, and reported in the literature in individuals with SETD1A-related features (DECIPHER; PMID: 32346159, 26974950); Another canonical splice site variant comparable to the one identified in this case has limited previous evidence for pathogenicity. The c.4582-2A>G variant has been reported in the literature in one individual with bipolar disorder (PMID: 38646907). Additional information: This variant is heterozygous; This gene is associated with autosomal dominant disease; Alternative nucleotide change(s) at the same canonical splice site are present in gnomAD (Highest allele count: v4: 15 heterozygote(s), 0 homozygote(s)); Loss of function is a known mechanism of disease in this gene and is associated with neurodevelopmental disorder with speech impairment and dysmorphic facies (MIM#619056), whereas the mechanism is unknown for early onset epilepsy with or without developmental delay (MIM#619056); Variants in this gene are known to have variable expressivity (OMIM, PMID: 37918557); Inheritance information for this variant is not currently available in this individual.

Blueprint Genetics
Classification: Pathogenic for SETD1A-related disorders. Last evaluated: 2023-12-27. Review status: criteria provided, single submitter. Criteria: ACMG Guidelines, 2015. Collection method: clinical testing. Allele origin: de novo. Affected: yes. Observed: 4 variant alleles.

Clinical Genetics Service, Universitary Hospital 12 de Octubre
Classification: Likely pathogenic for Epilepsy, early-onset, with or without developmental delay. Review status: criteria provided, single submitter. Criteria: ACMG Guidelines, 2015. Collection method: clinical testing. Allele origin: germline. Affected: yes.

OMIM
Classification: Pathogenic for NEURODEVELOPMENTAL DISORDER WITH SPEECH IMPAIRMENT AND DYSMORPHIC FACIES. Last evaluated: 2023-08-14. Review status: no assertion criteria provided. Collection method: literature only. Allele origin: germline. Not counted in ClinVar's aggregate classification.

Pediatric Genetics Clinic, Sheba Medical Center
Classification: Pathogenic for Epilepsy, early-onset, with or without developmental delay. Last evaluated: 2021-05-13. Review status: no assertion criteria provided. Collection method: clinical testing. Allele origin: de novo. Affected: yes. Observed: 1 heterozygote. Not counted in ClinVar's aggregate classification.

Clinical Genetics DNA and cytogenetics Diagnostics Lab, Erasmus MC, Erasmus Medical Center
Classification: Likely pathogenic. Review status: no assertion criteria provided. Collection method: clinical testing. Allele origin: germline. Affected: yes. Study: VKGL Data-share Consensus. Not counted in ClinVar's aggregate classification.

Joint Genome Diagnostic Labs from Nijmegen and Maastricht, Radboudumc and MUMC+
Classification: Likely pathogenic. Review status: no assertion criteria provided. Collection method: clinical testing. Allele origin: germline. Affected: yes. Study: VKGL Data-share Consensus. Not counted in ClinVar's aggregate classification.

Literature cited by the submitters: PubMed 26974950 (cited by 3 submitters); PubMed 32346159 (cited by 4 submitters); PubMed 36117209 (cited by Ambry Genetics); PubMed 29276005 (cited by Variantyx, Inc.); PubMed 31785789 (cited by Variantyx, Inc.); PubMed 24853937 (cited by 3 submitters); PubMed 37918557 (cited by Victorian Clinical Genetics Services, Murdoch Childrens Research Institute); PubMed 38646907 (cited by Victorian Clinical Genetics Services, Murdoch Childrens Research Institute); PubMed 25420024 (cited by OMIM).

NM_014712.3(SETD1A):c.4582-2_4582-1del

Gene: SETD1A (SET domain containing 1A, histone lysine methyltransferase; plus strand). Cytogenetic location: 16p11.2.
Variant type: Deletion.
Coding change: c.4582-2_4582-1del on transcript NM_014712.3 (MANE Select); the canonical splice acceptor site of the intron before coding-DNA position 4582, 2 bases deleted (AG; older notation c.4582-2_4582-1delAG).
Molecular consequence: splice acceptor variant.
Genome position (GRCh38, 1-based): chr16:30,980,737-30,980,738, AG deleted. VCF-style (leftmost placement, unchanged base first): chr16-30980736-CAG-C. GRCh37 (hg19) VCF-style: chr16-30992057-CAG-C.
Other names: c.4582-2_4582-1delAG (NM_014712.3, NM_014712.1).
Identifiers: ClinVar variation 417721 (VCV000417721.21), dbSNP rs755127868, ClinGen allele CA8017626.